The following is an entry in ClinVar:

ClinVar aggregate classification (germline): Likely benign. Review status: criteria provided, multiple submitters, no conflicts (2 of 4 stars). 2 submissions from 2 submitters: Likely benign (2). Last evaluated 2023-11-17.

Conditions:
Ehlers-Danlos syndrome, type 4 (EDSVASC). Also called: Ehlers-Danlos syndrome vascular type; Ehlers Danlos syndrome, ecchymotic type; Ehlers Danlos syndrome, arterial type; Ehlers Danlos syndrome, Sack-Barabas type; Ehlers-Danlos Syndrome Type IV. Identifiers: Orphanet 286, MedGen C0268338, MONDO:0017314, OMIM 130050.

Allele frequency attached by ClinVar (database versions not stated): gnomAD exomes below 0.00001.

Submissions (2):

Labcorp Genetics (formerly Invitae), Labcorp
Classification: Likely benign for Ehlers-Danlos syndrome, type 4. Last evaluated: 2023-11-17. Review status: criteria provided, single submitter. Criteria: Invitae Variant Classification Sherloc (09022015). Collection method: clinical testing. Allele origin: germline.

All of Us Research Program, National Institutes of Health
Classification: Likely benign for Ehlers-Danlos syndrome, type 4. Last evaluated: 2023-05-16. Review status: criteria provided, single submitter. Criteria: ACMG Guidelines, 2015. Collection method: clinical testing. Allele origin: germline. Inheritance: Autosomal dominant inheritance. Observed: 1 variant allele, 1 heterozygote.
Comment: This study involves interpretation of variants in research participants for the purpose of population health screening. Participant phenotype was not available at the time of variant classification. Additional details can be found in publication PMID: 35346344, PMCID: PMC8962531

NM_000090.4(COL3A1):c.1116A>G (p.Gly372=)

Gene: COL3A1 (collagen type III alpha 1 chain; plus strand). Cytogenetic location: 2q32.2.
Variant type: single nucleotide variant.
Coding change: c.1116A>G on transcript NM_000090.4 (MANE Select); coding-DNA position 1116, A replaced by G.
Protein change: p.Gly372=; no amino-acid change (glycine 372 retained).
Molecular consequence: synonymous variant.
Genome position (GRCh38, 1-based): chr2:188,993,426, A>G. VCF-style: chr2-188993426-A-G. GRCh37 (hg19) VCF-style: chr2-189858152-A-G.
Identifiers: ClinVar variation 1920842 (VCV001920842.6), dbSNP rs1354450516, ClinGen allele CA430309373.